The following is an entry in ClinVar:

NM_021073.4(BMP5):c.380T>A (p.Ile127Lys)

Gene: BMP5 (bone morphogenetic protein 5; minus strand). Cytogenetic location: 6p12.1.
Variant type: single nucleotide variant.
Coding change: c.380T>A on transcript NM_021073.4 (MANE Select); coding-DNA position 380, T replaced by A.
Protein change: p.Ile127Lys; replaces isoleucine 127 with lysine.
Molecular consequence: missense variant.
Genome position (GRCh38, 1-based): chr6:55,874,486, A>T on the plus strand (T>A on the coding strand, the complement: BMP5 is on the minus strand). VCF-style: chr6-55874486-A-T. GRCh37 (hg19) VCF-style: chr6-55739284-A-T.
Other names: c.380T>A, p.Ile127Lys (NM_001329754.2, NM_001329756.2); short protein forms I127K.
Identifiers: ClinVar variation 3056688 (VCV003056688.2), dbSNP rs148766592, ClinGen allele CA3864902.
Genomic context (GRCh38, chr6:55,874,486, plus strand): 5'-TCATGGAGGCTGGCTAGAGGAGGACTCTGGGTGGTCAGAGGAGTCGTCCGAGATAACTGT[A>T]TGCGACGAGGATACCCATTGGGAGAGGCTGGGTATCCCTTTCTTGCCCCTCTGGTCTCTT-3'
Protein context (NP_066551.1, residues 117-137): PASPNGYPRR[Ile127Lys]QLSRTTPLTT

ClinVar aggregate classification (germline): Benign (0 of 4 stars; one submission).

Conditions:
BMP5-related disorder. Also called: BMP5-related condition.

Allele frequency attached by ClinVar (database versions not stated): TOPMed 0.00390; gnomAD 0.00435; ESP Exome Variant Server 0.00438; ExAC 0.00598; 1000 Genomes Project 30x 0.00656; 1000 Genomes Project 0.00659.
gnomAD v4.1: 9,633 of 1,613,426 alleles (0.6%); highest among the groups gnomAD compares: South Asian, 1.3%; 56 homozygotes.

Submission:

PreventionGenetics, part of Exact Sciences
Classification: Benign for BMP5-related condition. Last evaluated: 2019-05-02. Review status: no assertion criteria provided. Collection method: clinical testing. Allele origin: germline.
Comment: This variant is classified as benign based on ACMG/AMP sequence variant interpretation guidelines (Richards et al. 2015 PMID: 25741868, with internal and published modifications).